The following is an entry in ClinVar:

NM_025150.5(TARS2):c.1026G>C (p.Glu342Asp)

Gene: TARS2 (threonyl-tRNA synthetase 2, mitochondrial; plus strand). Cytogenetic location: 1q21.2.
Variant type: single nucleotide variant.
Coding change: c.1026G>C on transcript NM_025150.5 (MANE Select); coding-DNA position 1026, G replaced by C.
Protein change: p.Glu342Asp; replaces glutamic acid 342 with aspartic acid.
Molecular consequence: missense variant. On other transcripts: non-coding transcript variant (2).
Genome position (GRCh38, 1-based): chr1:150,497,535, G>C. VCF-style: chr1-150497535-G-C. GRCh37 (hg19) VCF-style: chr1-150470011-G-C.
Other names: p.Glu342Asp; c.1026G>C (NM_025150.4); c.780G>C, p.Glu260Asp (NM_001271895.2); c.636G>C, p.Glu212Asp (NM_001271896.2); short protein forms E212D, E260D, E342D.
Identifiers: ClinVar variation 1992422 (VCV001992422.24), dbSNP rs371727967, ClinGen allele CA342326272.

ClinVar aggregate classification (germline): Uncertain significance. Review status: criteria provided, single submitter (1 of 4 stars). 2 submissions from 2 submitters: Uncertain significance (1). 1 of the submissions does not count toward it. Last evaluated 2020-04-22.

Conditions:
Combined oxidative phosphorylation defect type 21. Also called: Combined oxidative phosphorylation deficiency 21. Identifiers: Orphanet 420733, MedGen C4706316, MONDO:0014398, OMIM 615918.

gnomAD v4.1: 3 of 1,613,868 alleles (0.00019%); highest among the groups gnomAD compares: African/African-American, 0.0027%; no homozygotes.

Submissions (2):

Revvity Omics, Revvity
Classification: Uncertain significance. Last evaluated: 2020-04-22. Review status: criteria provided, single submitter. Criteria: ACMG Guidelines, 2015. Collection method: clinical testing. Allele origin: germline.

Houlden Lab, UCL Institute of Neurology
Classification: Likely pathogenic for Combined oxidative phosphorylation defect type 21. Review status: no assertion criteria provided. Collection method: research. Allele origin: germline. Affected: yes. Not counted in ClinVar's aggregate classification.
Comment: This variant was identified in a compound heterozygous state with another TARS2 variant (c.774+5G>T) for this condition.